The following is an entry in ClinVar:

ClinVar aggregate classification (germline): Pathogenic (1 of 4 stars; one submission).

Conditions:
Intellectual developmental disorder with language impairment and early-onset DOPA-responsive dystonia-parkinsonism (IDLDP). Identifiers: Orphanet 660017, MedGen C5677001, MONDO:0859257, OMIM 619911.

Submission:

Center Lab, King Abdulaziz University
Classification: Pathogenic for Intellectual developmental disorder with language impairment and early-onset DOPA-responsive dystonia-parkinsonism. Last evaluated: 2024-08-09. Review status: criteria provided, single submitter. Criteria: ACMG Guidelines, 2015. Collection method: clinical testing. Allele origin: unknown. Inheritance: Autosomal dominant inheritance. Affected: yes. Observed: 1 compound heterozygote.
Comment: The NM_006186.4:c.534del variant got 10 ACMG points: 10P and 0B. This variant met criteria to be classified as pathogenic for intellectual developmental disorder with language impairment and early-onset DOPA-responsive dystonia-parkinsonism based on the ACMG/AMP criteria applied, as specified by the ACMG Guidelines, 2015 (PMID:25741868): PVS1, PM6, PM2_Sup.

Literature cited by the submitters: PubMed 38440907.

NM_006186.4(NR4A2):c.534del (p.Phe178fs)

Gene: NR4A2 (nuclear receptor subfamily 4 group A member 2; minus strand). Cytogenetic location: 2q24.1.
Variant type: Deletion.
Coding change: c.534del on transcript NM_006186.4 (MANE Select); coding-DNA position 534, one base deleted (T; older notation c.534delT).
Protein change: p.Phe178fs; shifts the reading frame from phenylalanine 178.
Molecular consequence: frameshift variant.
Genome position (GRCh38, 1-based): chr2:156,329,653, A deleted on the plus strand (T on the coding strand, the reverse complement: NR4A2 is on the minus strand); the first of 3 consecutive A bases (chr2:156,329,653-156,329,655); deleting any one gives the same sequence. VCF-style (leftmost placement, unchanged base first): chr2-156329652-TA-T. GRCh37 (hg19) VCF-style: chr2-157186164-TA-T.
Other names: HZF-3; NOT; NURR1; RNR1; TINUR; c.345del, p.Phe115fs (NM_173173.3); short protein forms F115fs, F178fs.
Identifiers: ClinVar variation 3338016 (VCV003338016.2).
Genomic context (GRCh38, chr2:156,329,652, plus strand): 5'-GCAGGGGCCCGTCGAAGCGCATCTGGCAACTAGACACCGGGGTGCCAGGGGGCGATTGCT[TA>T]AAGGAGAAGAGGGAGAGGCGGGAGACTGGCGTTTTCCTCTGCTCGATCATGTGCGTAGTG-3'